The following is an entry in ClinVar:

NM_005591.4(MRE11):c.274G>A (p.Glu92Lys)

Gene: MRE11 (MRE11 double strand break repair nuclease; minus strand). Cytogenetic location: 11q21.
Variant type: single nucleotide variant.
Coding change: c.274G>A on transcript NM_005591.4 (MANE Select); coding-DNA position 274, G replaced by A.
Protein change: p.Glu92Lys; replaces glutamic acid 92 with lysine.
Molecular consequence: missense variant.
Genome position (GRCh38, 1-based): chr11:94,485,964, C>T on the plus strand (G>A on the coding strand, the complement: MRE11 is on the minus strand). VCF-style: chr11-94485964-C-T. GRCh37 (hg19) VCF-style: chr11-94219130-C-T.
Other names: p.E92K:GAA>AAA; c.274G>A, p.Glu92Lys (NM_001330347.2, NM_005590.4); short protein forms E92K.
Identifiers: ClinVar variation 127980 (VCV000127980.24), dbSNP rs587780139, ClinGen allele CA288174.

ClinVar aggregate classification (germline): Uncertain significance. Review status: criteria provided, multiple submitters, no conflicts (2 of 4 stars). 9 submissions from 9 submitters: Uncertain significance (9). Last evaluated 2025-07-31.

Conditions:
Ataxia-telangiectasia-like disorder (ATLD). Identifiers: MedGen C1858391, MONDO:0011457.
Hereditary cancer-predisposing syndrome. Also called: Hereditary neoplastic syndrome; Tumor predisposition; Neoplastic Syndromes, Hereditary; Hereditary Cancer Syndrome. Identifiers: Orphanet 140162, MedGen C0027672, MeSH D009386, MONDO:0015356.
Ataxia-telangiectasia-like disorder 1 (ATLD1). Identifiers: Orphanet 251347, MedGen C4012790, MONDO:0024557, OMIM 604391.

Allele frequency attached by ClinVar (database versions not stated): gnomAD exomes 0.00002 and 0.00007; TOPMed 0.00005; gnomAD 0.00006.
gnomAD v4.1: 115 of 1,613,418 alleles (0.0071%); highest among the groups gnomAD compares: Non-Finnish European, 0.0097%; no homozygotes.

Submissions (9):

Labcorp Genetics (formerly Invitae), Labcorp
Classification: Uncertain significance for Ataxia-telangiectasia-like disorder. Last evaluated: 2025-07-31. Review status: criteria provided, single submitter. Criteria: Invitae Variant Classification Sherloc (09022015). Collection method: clinical testing. Allele origin: germline.
Comment: This sequence change replaces glutamic acid, which is acidic and polar, with lysine, which is basic and polar, at codon 92 of the MRE11 protein (p.Glu92Lys). This variant is present in population databases (rs587780139, gnomAD 0.004%). This variant has not been reported in the literature in individuals affected with MRE11-related conditions. ClinVar contains an entry for this variant (Variation ID: 127980). An algorithm developed to predict the effect of missense changes on protein structure and function (PolyPhen-2) suggests that this variant is likely to be tolerated. In summary, the available evidence is currently insufficient to determine the role of this variant in disease. Therefore, it has been classified as a Variant of Uncertain Significance.

Quest Diagnostics Nichols Institute San Juan Capistrano
Classification: Uncertain significance. Last evaluated: 2024-10-16. Review status: criteria provided, single submitter. Criteria: Quest Diagnostics criteria. Collection method: clinical testing. Allele origin: unknown.
Comment: The MRE11 c.274G>A (p.Glu92Lys) variant has been reported in the published literature in individuals with breast cancer as well as reportedly healthy individuals (PMID: 33471991 (2021), see also LOVD). This variant was also identified in a cohort of individuals with prostate cancer as well as reportedly healthy individuals (PMID: 32832836 (2020)). The frequency of this variant in the general population, 0.000039 (5/128924 chromosomes (Genome Aggregation Database)), is uninformative in the assessment of its pathogenicity. Analysis of this variant using bioinformatics tools for the prediction of the effect of amino acid changes on protein structure and function yielded predictions that this variant is benign. Based on the available information, we are unable to determine the clinical significance of this variant.

Blueprint Genetics
Classification: Uncertain significance. Last evaluated: 2024-09-09. Review status: criteria provided, single submitter. Criteria: ACMG Guidelines, 2015. Collection method: clinical testing. Allele origin: germline.

Baylor Genetics
Classification: Uncertain significance for Ataxia-telangiectasia-like disorder 1. Last evaluated: 2023-10-21. Review status: criteria provided, single submitter. Criteria: ACMG Guidelines, 2015. Collection method: clinical testing. Allele origin: unknown.

Ambry Genetics
Classification: Uncertain significance for Hereditary cancer-predisposing syndrome. Last evaluated: 2023-08-10. Review status: criteria provided, single submitter. Criteria: Ambry Variant Classification Scheme 2023. Collection method: clinical testing. Allele origin: germline.
Comment: The p.E92K variant (also known as c.274G>A), located in coding exon 3 of the MRE11A gene, results from a G to A substitution at nucleotide position 274. The glutamic acid at codon 92 is replaced by lysine, an amino acid with similar properties. This amino acid position is well conserved in available vertebrate species. In addition, the in silico prediction for this alteration is inconclusive. Since supporting evidence is limited at this time, the clinical significance of this alteration remains unclear.

GeneDx
Classification: Uncertain significance. Last evaluated: 2020-10-19. Review status: criteria provided, single submitter. Criteria: GeneDx Variant Classification Process June 2021. Collection method: clinical testing. Allele origin: germline. Affected: yes.
Comment: Not observed at a significant frequency in large population cohorts (Lek et al., 2016); In silico analysis supports that this missense variant has a deleterious effect on protein structure/function; Has not been previously published as pathogenic or benign to our knowledge

Revvity Omics, Revvity
Classification: Uncertain significance for Ataxia-telangiectasia-like disorder 1. Last evaluated: 2020-01-07. Review status: criteria provided, single submitter. Criteria: ACMG Guidelines, 2015. Collection method: clinical testing. Allele origin: germline.

Athena Diagnostics
Classification: Uncertain significance. Last evaluated: 2019-06-05. Review status: criteria provided, single submitter. Criteria: Athena Diagnostics Criteria. Collection method: clinical testing. Allele origin: germline.

Fulgent Genetics
Classification: Uncertain significance for Ataxia-telangiectasia-like disorder 1. Last evaluated: 2018-10-31. Review status: criteria provided, single submitter. Criteria: ACMG Guidelines, 2015. Collection method: clinical testing. Allele origin: unknown.

Literature cited by the submitters: PubMed 33471991 (cited by Quest Diagnostics Nichols Institute San Juan Capistrano); PubMed 32832836 (cited by Quest Diagnostics Nichols Institute San Juan Capistrano).